The following is an entry in ClinVar:

ClinVar aggregate classification (germline): Uncertain significance (1 of 4 stars; one submission).

gnomAD v4.1: 1 of 1,614,148 alleles (0.000062%); highest among the groups gnomAD compares: Non-Finnish European, 0.000085%; no homozygotes.

Submission:

Mayo Clinic Laboratories, Mayo Clinic
Classification: Uncertain significance. Last evaluated: 2025-06-08. Review status: criteria provided, single submitter. Criteria: ACMG Guidelines, 2015. Collection method: clinical testing. Allele origin: germline. Observed: 1 variant allele.
Comment: BP4, PM2_supporting

NM_145207.3(AFG2A):c.1660A>G (p.Asn554Asp)

Gene: AFG2A (AAA ATPase AFG2A; plus strand). Cytogenetic location: 4q28.1.
Variant type: single nucleotide variant.
Coding change: c.1660A>G on transcript NM_145207.3 (MANE Select); coding-DNA position 1660, A replaced by G.
Protein change: p.Asn554Asp; replaces asparagine 554 with aspartic acid.
Molecular consequence: missense variant.
Genome position (GRCh38, 1-based): chr4:122,947,434, A>G. VCF-style: chr4-122947434-A-G. GRCh37 (hg19) VCF-style: chr4-123868589-A-G.
Other names: p.Asn554Asp; c.1660A>G, p.Asn554Asp (NM_001438322.1); c.1657A>G, p.Asn553Asp (NM_001317799.2, NM_001345856.2, NM_001437913.1); short protein forms N554D, N553D.
Identifiers: ClinVar variation 4540998 (VCV004540998.1).
Genomic context (GRCh38, chr4:122,947,434, plus strand): 5'-CAGAAACTGCTTCGAAGGGTACCCCATTTGCTCACTGAGGCTGAGCTGCTGCAGCTGGCA[A>G]ATAGTGCTCATGGATACGTTGGAGCAGACTTGAAAGTCTTGTGTAATGAAGCAGGTGAGT-3'
Protein context (NP_660208.2, residues 544-564): LTEAELLQLA[Asn554Asp]SAHGYVGADL